The following is an entry in ClinVar:

NM_000059.4(BRCA2):c.116C>T (p.Ala39Val)

Gene: BRCA2 (BRCA2 DNA repair associated; plus strand). Cytogenetic location: 13q13.1.
Variant type: single nucleotide variant.
Coding change: c.116C>T on transcript NM_000059.4 (MANE Select); coding-DNA position 116, C replaced by T.
Protein change: p.Ala39Val; replaces alanine 39 with valine.
Molecular consequence: missense variant.
Genome position (GRCh38, 1-based): chr13:32,319,125, C>T. VCF-style: chr13-32319125-C-T. GRCh37 (hg19) VCF-style: chr13-32893262-C-T.
Other names: p.A39V:GCT>GTT; 344C>T; short protein forms A39V.
Identifiers: ClinVar variation 91748 (VCV000091748.80), dbSNP rs398122724, ClinGen allele CA011036.

ClinVar aggregate classification (germline): Conflicting classifications of pathogenicity. Review status: criteria provided, conflicting classifications (1 of 4 stars). 14 submissions from 14 submitters: Uncertain significance (6); Benign (1); Likely benign (5). 2 of the submissions do not count toward it. Last evaluated 2025-12-08.

Conditions:
Hereditary cancer-predisposing syndrome. Also called: Hereditary neoplastic syndrome; Neoplastic Syndromes, Hereditary; Hereditary Cancer Syndrome; Tumor predisposition. Identifiers: Orphanet 140162, MedGen C0027672, MeSH D009386, MONDO:0015356.
Hereditary breast ovarian cancer syndrome. Also called: Hereditary breast and ovarian cancer syndrome (HBOC); Hereditary breast and/or ovarian cancer syndrome; Hereditary breast and ovarian cancer syndrome; Breast and ovarian cancer; BRCA1- and BRCA2-Associated Hereditary Breast and Ovarian Cancer; Hereditary breast and ovarian cancer. Identifiers: Orphanet 145, MedGen C0677776, MeSH D061325, MONDO:0003582. Disease mechanism: loss of function.
Breast-ovarian cancer, familial, susceptibility to, 2 (BROVCA2). Also called: BRCA2 Hereditary Breast and Ovarian Cancer. Identifiers: Orphanet 145, MedGen C2675520, MONDO:0012933, OMIM 612555. Disease mechanism: loss of function.

Allele frequency attached by ClinVar (database versions not stated): gnomAD exomes below 0.00001 and 0.00002; ExAC 0.00001; gnomAD 0.00001; TOPMed 0.00002.
gnomAD v4.1: 29 of 1,613,228 alleles (0.0018%); highest among the groups gnomAD compares: Non-Finnish European, 0.0023%; no homozygotes.

Submissions (14):

Labcorp Genetics (formerly Invitae), Labcorp
Classification: Likely benign for Hereditary breast ovarian cancer syndrome. Last evaluated: 2025-12-08. Review status: criteria provided, single submitter. Criteria: Invitae Variant Classification Sherloc (09022015). Collection method: clinical testing. Allele origin: germline.

Women's Health and Genetics/Laboratory Corporation of America, LabCorp
Classification: Likely benign. Last evaluated: 2025-11-06. Review status: criteria provided, single submitter. Criteria: LabCorp Variant Classification Summary - May 2015. Collection method: clinical testing. Allele origin: germline.
Comment: Variant summary: BRCA2 c.116C>T (p.Ala39Val) results in a non-conservative amino acid change in the encoded protein sequence. Algorithms developed to predict the effect of missense changes on protein structure and function are either unavailable or do not agree on the potential impact of this missense change. The variant allele was found at a frequency of 4e-06 in 251240 control chromosomes. The available data on variant occurrences in the general population are insufficient to allow any conclusion about variant significance. To our knowledge, no occurrence of c.116C>T in individuals affected with BRCA2-related conditions has been reported with strong evidence for causality (example Dominguez-Valentin_2018) . At least one functional study reports experimental evidence evaluating an impact on protein function and showed no damaging effect of this variant on homology directed repair (HDR) activity (e.g. Thomassen_2022). HDR assays qualify as a recognized gold standard on the basis of updated guidance provided by the ClinGen Sequence Variant Interpretation (SVI) working group. The following publications have been ascertained in the context of this evaluation (PMID: 40232841, 35979650, 39096911, 28608266, 31112341, 31294896, 31811167). ClinVar contains an entry for this variant (Variation ID: 91748). Based on the evidence outlined above, the variant was classified as likely benign.

Molecular Pathology, Peter Maccallum Cancer Centre
Classification: Likely benign for Breast-ovarian cancer, familial, susceptibility to, 2. Last evaluated: 2025-06-12. Review status: criteria provided, single submitter. Criteria: ACMG Guidelines, 2015. Collection method: clinical testing. Allele origin: germline. Inheritance: Autosomal dominant inheritance.

Center for Genomic Medicine, Rigshospitalet, Copenhagen University Hospital
Classification: Benign. Last evaluated: 2025-03-04. Review status: criteria provided, single submitter. Criteria: ACMG Guidelines, 2015. Collection method: clinical testing. Allele origin: germline.

Department of Clinical Genetics, Copenhagen University Hospital, Rigshospitalet
Classification: Likely benign for Breast-ovarian cancer, familial, susceptibility to, 2. Last evaluated: 2024-10-07. Review status: criteria provided, single submitter. Criteria: ACMG Guidelines, 2015. Collection method: clinical testing. Allele origin: germline.
Comment: The following ACMG criteria is used: BP4; BP5_Moderate; PM2_Supporting. Moreover functional data indicates that the variant does not impact BRCA2 function (PMID: 35979650)

Ambry Genetics
Classification: Uncertain significance for Hereditary cancer-predisposing syndrome. Last evaluated: 2024-09-18. Review status: criteria provided, single submitter. Criteria: Ambry Variant Classification Scheme 2023. Collection method: clinical testing. Allele origin: germline.
Comment: The p.A39V variant (also known as c.116C>T), located in coding exon 2 of the BRCA2 gene, results from a C to T substitution at nucleotide position 116. The alanine at codon 39 is replaced by valine, an amino acid with similar properties. This alteration has been reported in one Norwegian family with multiple early-onset cancers (Dominguez-Valentin M et al. Fam. Cancer. 2018 Jan;17:141-153). This alteration was also cited as likely benign in a multifactorial model of variant interpretation that incorporates co-segregation, family history, co-occurrence and tumor pathology and case-control data (Parsons MT et al. Hum Mutat. 2019 09;40(9):1557-1578). This amino acid position is highly conserved in available vertebrate species. In addition, this alteration is predicted to be tolerated by in silico analysis. Since supporting evidence is limited at this time, the clinical significance of this alteration remains unclear.

Quest Diagnostics Nichols Institute San Juan Capistrano
Classification: Uncertain significance. Last evaluated: 2024-05-14. Review status: criteria provided, single submitter. Criteria: Quest Diagnostics criteria. Collection method: clinical testing. Allele origin: unknown.
Comment: The BRCA2 c.116C>T (p.Ala39Val) variant has been reported in individuals with breast cancer (PMID: 31811167 (2019), 33471991 (2021), see also LOVD) and Cowden like syndrome (PMID: 28608266 (2017)). This variant has also been identified in reportedly healthy individuals (PMID: 33471991 (2021), see also LOVD). Functional studies have shown that this variant does not affect BRCA2 splicing and protein expression (PMID: 35979650 (2022)). However, additional studies are required to assess other BRCA2 protein functions. The frequency of this variant in the general population, 0.000004 (1/251240 chromosomes (Genome Aggregation Database)), is uninformative in the assessment of its pathogenicity. Analysis of this variant using bioinformatics tools for the prediction of the effect of amino acid changes on protein structure and function yielded conflicting predictions that this variant is benign or damaging. Based on the available information, we are unable to determine the clinical significance of this variant.

Color Diagnostics, LLC DBA Color Health
Classification: Uncertain significance for Hereditary cancer-predisposing syndrome. Last evaluated: 2024-03-25. Review status: criteria provided, single submitter. Criteria: ACMG Guidelines, 2015. Collection method: clinical testing. Allele origin: germline.
Comment: This missense variant replaces alanine with valine at codon 39 of the BRCA2 protein. Computational prediction suggests that this variant may not impact protein structure and function. RNA studies using a minigene assay and patient-derived RNA have shown that this variant does not impact splicing (PMID: 28608266, 35979650). A functional study has reported that this variant does not impact BRCA2 function in the complementation of Brca2-deficient mouse embryonic stem cells and in a homology-directed DNA repair assay (PMID: 35979650). This variant has been reported in an individual affected with bilateral breast cancer, this individual also carried a pathogenic variant in the CHEK2 gene that could explain the observed phenotype (PMID: 28608266). In a large breast cancer case-control study conducted by the BRIDGES consortium this variant was reported in 5/60466 cases and 3/53461 unaffected controls, showing inconclusive association with disease (OR=1.474, 95%CI 0.352 to 6.167, p-value=0.731) (PMID: 33471991; Leiden Open Variation Database DB-ID BRCA2_007683). This variant has been identified in 1/251240 chromosomes in the general population by the Genome Aggregation Database (gnomAD). The available evidence is insufficient to determine the role of this variant in disease conclusively. Therefore, this variant is classified as a Variant of Uncertain Significance.

All of Us Research Program, National Institutes of Health
Classification: Uncertain significance for Breast-ovarian cancer, familial, susceptibility to, 2. Last evaluated: 2023-10-30. Review status: criteria provided, single submitter. Criteria: ACMG Guidelines, 2015. Collection method: clinical testing. Allele origin: germline. Inheritance: Autosomal dominant inheritance. Observed: 1 variant allele, 1 heterozygote.
Comment: This missense variant replaces alanine with valine at codon 39 of the BRCA2 protein. Computational prediction suggests that this variant may not impact protein structure and function (internally defined REVEL score threshold <= 0.5, PMID: 27666373). To our knowledge, functional studies have not been reported for this variant. This variant has been reported in an individual affected with bilateral breast cancer, this individual also carried a pathogenic variant in the CHEK2 gene that could explain the observed phenotype (PMID: 28608266). In a large breast cancer case-control study conducted by the BRIDGES consortium this variant was reported in 5/60466 cases and 3/53461 controls, showing inconclusive association with disease (OR=1.474, 95%CI 0.352 to 6.167, p-value=0.731) (PMID: 33471991; Leiden Open Variation Database DB-ID BRCA2_007683). This variant has been identified in 1/251240 chromosomes in the general population by the Genome Aggregation Database (gnomAD). The available evidence is insufficient to determine the role of this variant in disease conclusively. Therefore, this variant is classified as a Variant of Uncertain Significance.

This study involves interpretation of variants in research participants for the purpose of population health screening. Participant phenotype was not available at the time of variant classification. Additional details can be found in publication PMID: 35346344, PMCID: PMC8962531

Blueprint Genetics
Classification: Uncertain significance. Last evaluated: 2021-07-02. Review status: criteria provided, single submitter. Criteria: ACMG Guidelines, 2015. Collection method: clinical testing. Allele origin: germline.

ARUP Laboratories, Molecular Genetics and Genomics, ARUP Laboratories
Classification: Uncertain significance. Last evaluated: 2020-04-24. Review status: criteria provided, single submitter. Criteria: ARUP Molecular Germline Variant Investigation Process. Collection method: clinical testing. Allele origin: germline.
Comment: The BRCA2 c.116C>T; p.Ala39Val variant (rs398122724) is reported in the literature in an individual affected with breast and thyroid cancer who also carried a pathogenic variant in CHEK2 (Dominguez-Valentin 2018). This variant is only observed on one allele in the Genome Aggregation Database, indicating it is not a common polymorphism. The alanine at codon 39 is highly conserved, and computational analyses (SIFT, PolyPhen-2) predict that this variant is deleterious. Due to limited information, the clinical significance of the p.Ala39Val variant is uncertain at this time.

GeneDx
Classification: Likely benign. Last evaluated: 2019-11-14. Review status: criteria provided, single submitter. Criteria: GeneDx Variant Classification Process June 2021. Collection method: clinical testing. Allele origin: germline. Affected: yes.
Comment: Not observed at a significant frequency in large population cohorts (Lek et al., 2016); In silico analysis, which includes protein predictors and evolutionary conservation, supports that this variant does not alter protein structure/function; This variant is associated with the following publications: (PMID: 28608266, 31131967)

Counsyl
Classification: Uncertain significance for Breast-ovarian cancer, familial, susceptibility to, 2. Last evaluated: 2017-06-16. Review status: no assertion criteria provided. Collection method: clinical testing. Allele origin: unknown. Not counted in ClinVar's aggregate classification.

Sharing Clinical Reports Project (SCRP)
Classification: Uncertain significance for Breast-ovarian cancer, familial 2. Last evaluated: 2011-12-07. Review status: no assertion criteria provided. Collection method: clinical testing. Allele origin: germline. Not counted in ClinVar's aggregate classification.

Literature cited by the submitters: PubMed 28608266 (cited by 4 submitters); PubMed 31112341 (cited by Women's Health and Genetics/Laboratory Corporation of America, LabCorp); PubMed 31294896 (cited by Women's Health and Genetics/Laboratory Corporation of America, LabCorp); PubMed 31811167 (cited by 3 submitters); PubMed 35979650 (cited by 5 submitters); PubMed 39096911 (cited by Women's Health and Genetics/Laboratory Corporation of America, LabCorp); PubMed 40232841 (cited by Women's Health and Genetics/Laboratory Corporation of America, LabCorp); PubMed 31131967 (cited by 3 submitters); PubMed 29884841 (cited by Ambry Genetics); PubMed 33471991 (cited by 3 submitters).